The following is an entry in ClinVar:

ClinVar aggregate classification (germline): Likely pathogenic (1 of 4 stars; one submission).

Conditions:
Multiple epiphyseal dysplasia type 1. Also called: COMP-Related Multiple Epiphyseal Dysplasia. Identifiers: Orphanet 93308, MedGen C1838280, MONDO:0007561, OMIM 132400.

Submission:

Clinical Biomedical Laboratory, Shriners Hospital For Children - Canada
Classification: Likely pathogenic for Multiple epiphyseal dysplasia type 1. Last evaluated: 2026-03-10. Review status: criteria provided, single submitter. Criteria: ACMG Guidelines, 2015. Collection method: clinical testing. Allele origin: germline. Affected: yes.
Comment: A variant affecting the same amino acid (c.1445A>T, p.Asp482Val) has been reported as likely pathogenic from 1 submitter in Clinvar (Variation ID: 818215). This variant is absent from the Genome Aggregation Database v.2.1.1. Computational tools: (SIFT = 0, damaging; Polyphen-2 = 1.0, detrimental; PhyloP = 7.9 conserved) suggest that the amino acid is conserved and that the change is detrimental to protein function. Based on the ACMG variant interpretation guidelines, the available evidence supports classification of this variant as likely pathogenic.

NM_000095.3(COMP):c.1445A>C (p.Asp482Ala)

Gene: COMP (cartilage oligomeric matrix protein; minus strand). Cytogenetic location: 19p13.11.
Variant type: single nucleotide variant.
Coding change: c.1445A>C on transcript NM_000095.3 (MANE Select); coding-DNA position 1445, A replaced by C.
Protein change: p.Asp482Ala; replaces aspartic acid 482 with alanine.
Molecular consequence: missense variant.
Genome position (GRCh38, 1-based): chr19:18,786,009, T>G on the plus strand (A>C on the coding strand, the complement: COMP is on the minus strand). VCF-style: chr19-18786009-T-G. GRCh37 (hg19) VCF-style: chr19-18896819-T-G.
Other names: short protein forms D482A.
Identifiers: ClinVar variation 4819368 (VCV004819368.1).